The following is an entry in ClinVar:

NM_001040142.2(SCN2A):c.5563C>G (p.Leu1855Val)

Gene: SCN2A (sodium voltage-gated channel alpha subunit 2; plus strand). Cytogenetic location: 2q24.3.
Variant type: single nucleotide variant.
Coding change: c.5563C>G on transcript NM_001040142.2 (MANE Select); coding-DNA position 5563, C replaced by G.
Protein change: p.Leu1855Val; replaces leucine 1855 with valine.
Molecular consequence: missense variant.
Genome position (GRCh38, 1-based): chr2:165,389,369, C>G. VCF-style: chr2-165389369-C-G. GRCh37 (hg19) VCF-style: chr2-166245879-C-G.
Other names: c.5563C>G, p.Leu1855Val (NM_001040143.2, NM_001371246.1, NM_001371247.1 and 1 more transcripts); short protein forms L1855V.
Identifiers: ClinVar variation 4783615 (VCV004783615.1).

ClinVar aggregate classification (germline): Likely pathogenic (1 of 4 stars; one submission).

Conditions:
Developmental and epileptic encephalopathy, 11 (DEE11). Also called: Early infantile epileptic encephalopathy 11. Identifiers: Orphanet 1934, MedGen C3150987, MONDO:0013388, OMIM 613721.
Seizures, benign familial infantile, 3 (BFIS3). Also called: CONVULSIONS, BENIGN FAMILIAL INFANTILE, 3; Familial neonatal seizures. Identifiers: Orphanet 140927, Orphanet 306, MedGen C1843140, MONDO:0011904, OMIM 607745.

Submission:

Labcorp Genetics (formerly Invitae), Labcorp
Classification: Likely pathogenic for Seizures, benign familial infantile, 3; Developmental and epileptic encephalopathy, 11. Last evaluated: 2025-03-06. Review status: criteria provided, single submitter. Criteria: Invitae Variant Classification Sherloc (09022015). Collection method: clinical testing. Allele origin: germline.
Comment: This sequence change replaces leucine, which is neutral and non-polar, with valine, which is neutral and non-polar, at codon 1855 of the SCN2A protein (p.Leu1855Val). This variant is not present in population databases (gnomAD no frequency). This missense change has been observed in individual(s) with clinical features of SCN2A-related conditions (internal data). Invitae Evidence Modeling of protein sequence and biophysical properties (such as structural, functional, and spatial information, amino acid conservation, physicochemical variation, residue mobility, and thermodynamic stability) indicates that this missense variant is expected to disrupt SCN2A protein function with a positive predictive value of 95%. This variant disrupts the p.Leu1855 amino acid residue in SCN2A. Other variant(s) that disrupt this residue have been determined to be pathogenic (internal data). This suggests that this residue is clinically significant, and that variants that disrupt this residue are likely to be disease-causing. In summary, the currently available evidence indicates that the variant is pathogenic, but additional data are needed to prove that conclusively. Therefore, this variant has been classified as Likely Pathogenic.